The following is an entry in ClinVar:

NM_000088.4(COL1A1):c.249_252dup (p.Glu85fs)

Gene: COL1A1 (collagen type I alpha 1 chain; minus strand). Cytogenetic location: 17q21.33.
Variant type: Duplication.
Coding change: c.249_252dup on transcript NM_000088.4 (MANE Select); coding-DNA positions 249 to 252, 4 bases duplicated (CGCC; older notation c.249_252dupCGCC).
Protein change: p.Glu85fs; shifts the reading frame from glutamic acid 85.
Molecular consequence: frameshift variant.
Genome position (GRCh38, 1-based): chr17:50,199,799-50,199,802, GGCG duplicated on the plus strand (CGCC on the coding strand, the reverse complement: COL1A1 is on the minus strand). VCF-style (leftmost placement, unchanged base first): chr17-50199798-C-CGGCG. GRCh37 (hg19) VCF-style: chr17-48277159-C-CGGCG.
Other names: short protein forms E85fs.
Identifiers: ClinVar variation 2074207 (VCV002074207.4), dbSNP rs2509258453, ClinGen allele CA2580094608.
Genomic context (GRCh38, chr17:50,199,798, plus strand): 5'-CGAGCGCAGCCGCACCTGAGCCGTCGGGGCAGACGGGACAGCACTCGCCCTCGGGGACTT[C>CGGCG]GGCGCCGGGGCAGTTCTTGGTCTCGTCACAGATCACGTCATCGCACAACACCTTGCCGTT-3'

ClinVar aggregate classification (germline): Pathogenic (1 of 4 stars; one submission).

Conditions:
Osteogenesis imperfecta type I (OI1). Also called: Osteogenesis imperfecta type 1; Classic Non-deforming Osteogenesis Imperfecta with Blue Sclerae; OI, TYPE I; OSTEOGENESIS IMPERFECTA TARDA; OSTEOGENESIS IMPERFECTA WITH BLUE SCLERAE; Lobstein's Disease. Identifiers: Orphanet 216796, Orphanet 666, MedGen C0023931, MONDO:0008146, OMIM 166200. Disease mechanism: loss of function.

Submission:

Labcorp Genetics (formerly Invitae), Labcorp
Classification: Pathogenic for Osteogenesis imperfecta type I. Last evaluated: 2022-01-04. Review status: criteria provided, single submitter. Criteria: Invitae Variant Classification Sherloc (09022015). Collection method: clinical testing. Allele origin: germline.
Comment: This variant has not been reported in the literature in individuals affected with COL1A1-related conditions. For these reasons, this variant has been classified as Pathogenic. This variant is not present in population databases (gnomAD no frequency). This sequence change creates a premature translational stop signal (p.Glu85Argfs*85) in the COL1A1 gene. It is expected to result in an absent or disrupted protein product. Loss-of-function variants in COL1A1 are known to be pathogenic (PMID: 7942841, 9295084, 9443882).

Literature cited by the submitters: PubMed 7942841; PubMed 9295084; PubMed 9443882.